The following is an entry in ClinVar:

NM_018100.4(EFHC1):c.1228A>G (p.Ile410Val)

Gene: EFHC1 (EF-hand domain containing 1; plus strand). Cytogenetic location: 6p12.2.
Variant type: single nucleotide variant.
Coding change: c.1228A>G on transcript NM_018100.4 (MANE Select); coding-DNA position 1228, A replaced by G.
Protein change: p.Ile410Val; replaces isoleucine 410 with valine.
Molecular consequence: missense variant. On other transcripts: non-coding transcript variant (1).
Genome position (GRCh38, 1-based): chr6:52,469,423, A>G. VCF-style: chr6-52469423-A-G. GRCh37 (hg19) VCF-style: chr6-52334221-A-G.
Other names: c.1171A>G, p.Ile391Val (NM_001172420.2); short protein forms I391V, I410V.
Identifiers: ClinVar variation 1001394 (VCV001001394.10), dbSNP rs1765386430, ClinGen allele CA364456090.

ClinVar aggregate classification (germline): Uncertain significance (1 of 4 stars; one submission).

Conditions:
Absence seizure. Also called: Absence epilepsy. Identifiers: Orphanet 1941, MedGen C0014553.
Myoclonic epilepsy, juvenile, susceptibility to, 1. Also called: Myoclonic Epilepsy, Juvenile, 1; EJM1. Identifiers: MedGen C1850778, MONDO:0020752, OMIM 254770.

Submission:

Labcorp Genetics (formerly Invitae), Labcorp
Classification: Uncertain significance for Myoclonic epilepsy, juvenile, susceptibility to, 1; Absence seizure. Last evaluated: 2020-10-20. Review status: criteria provided, single submitter. Criteria: Invitae Variant Classification Sherloc (09022015). Collection method: clinical testing. Allele origin: germline.
Comment: This sequence change replaces isoleucine with valine at codon 410 of the EFHC1 protein (p.Ile410Val). The isoleucine residue is moderately conserved and there is a small physicochemical difference between isoleucine and valine. In summary, the available evidence is currently insufficient to determine the role of this variant in disease. Therefore, it has been classified as a Variant of Uncertain Significance. Algorithms developed to predict the effect of missense changes on protein structure and function output the following: SIFT: "Tolerated"; PolyPhen-2: "Benign"; Align-GVGD: "Class C0". The valine amino acid residue is found in multiple mammalian species, suggesting that this missense change does not adversely affect protein function. These predictions have not been confirmed by published functional studies and their clinical significance is uncertain. This variant has not been reported in the literature in individuals with EFHC1-related conditions. This variant is not present in population databases (ExAC no frequency).